The following is an entry in ClinVar:

NM_001372044.2(SHANK3):c.2588A>G (p.Lys863Arg)

Gene: SHANK3 (SH3 and multiple ankyrin repeat domains 3; plus strand). Cytogenetic location: 22q13.33.
Variant type: single nucleotide variant.
Coding change: c.2588A>G on transcript NM_001372044.2 (MANE Select); coding-DNA position 2588, A replaced by G.
Protein change: p.Lys863Arg; replaces lysine 863 with arginine.
Molecular consequence: missense variant.
Genome position (GRCh38, 1-based): chr22:50,720,196, A>G. VCF-style: chr22-50720196-A-G. GRCh37 (hg19) VCF-style: chr22-51158624-A-G.
Other names: c.2363A>G, p.Lys788Arg (NM_033517.1); short protein forms K788R, K863R.
Identifiers: ClinVar variation 2504410 (VCV002504410.1), dbSNP rs2518424350, ClinGen allele CA515258494.

ClinVar aggregate classification (germline): Uncertain significance (1 of 4 stars; one submission).

Submission:

GeneDx
Classification: Uncertain significance. Last evaluated: 2022-12-02. Review status: criteria provided, single submitter. Criteria: GeneDx Variant Classification Process June 2021. Collection method: clinical testing. Allele origin: germline. Affected: yes.
Comment: Not observed at significant frequency in large population cohorts (gnomAD); In silico analysis supports that this missense variant does not alter protein structure/function; Has not been previously published as pathogenic or benign to our knowledge